The following is an entry in ClinVar:

ClinVar aggregate classification (germline): Uncertain significance (1 of 4 stars; one submission).

Submission:

Labcorp Genetics (formerly Invitae), Labcorp
Classification: Uncertain significance. Last evaluated: 2024-09-23. Review status: criteria provided, single submitter. Criteria: Invitae Variant Classification Sherloc (09022015). Collection method: clinical testing. Allele origin: germline.
Comment: This variant, c.1159_1164dup, results in the insertion of 2 amino acid(s) of the PLEKHM2 protein (p.Glu387_Arg388dup), but otherwise preserves the integrity of the reading frame. This variant is not present in population databases (gnomAD no frequency). This variant has not been reported in the literature in individuals affected with PLEKHM2-related conditions. In summary, the available evidence is currently insufficient to determine the role of this variant in disease. Therefore, it has been classified as a Variant of Uncertain Significance.

NM_015164.4(PLEKHM2):c.1159_1164dup (p.Arg388_Ser389insGluArg)

Gene: PLEKHM2 (pleckstrin homology and RUN domain containing M2; plus strand). Cytogenetic location: 1p36.21.
Variant type: Duplication.
Coding change: c.1159_1164dup on transcript NM_015164.4 (MANE Select); coding-DNA positions 1159 to 1164, 6 bases duplicated (GAGCGC; older notation c.1159_1164dupGAGCGC).
Protein change: p.Arg388_Ser389insGluArg.
Molecular consequence: inframe insertion.
Genome position (GRCh38, 1-based): chr1:15,727,231-15,727,236, GAGCGC duplicated; duplicating any 6 consecutive bases within chr1:15,727,229-15,727,236 gives the same sequence; the c. name uses the placement nearest the transcript's 3' end. VCF-style (leftmost placement, unchanged base first): chr1-15727228-A-AGCGAGC. GRCh37 (hg19) VCF-style: chr1-16053723-A-AGCGAGC.
Other names: c.1099_1104dup, p.Arg368_Ser369insGluArg (NM_001410755.1).
Identifiers: ClinVar variation 3621504 (VCV003621504.2).
Genomic context (GRCh38, chr1:15,727,228, plus strand): 5'-GACACTATGCTTGCCTCCCCCCAGGAGGAGGGAGAGGGGCCGAGCAGCACCACGGAGAGC[A>AGCGAGC]GCGAGCGCTCCGAGCCGGGCCTGCTGATCCCTGAGATGAAGGACACCTCCATGGAGCGCT-3'